The following is an entry in ClinVar:

NM_030665.4(RAI1):c.867G>A (p.Gln289=)

Gene: RAI1 (retinoic acid induced 1; plus strand). Cytogenetic location: 17p11.2.
Variant type: single nucleotide variant.
Coding change: c.867G>A on transcript NM_030665.4 (MANE Select); coding-DNA position 867, G replaced by A.
Protein change: p.Gln289=; no amino-acid change (glutamine 289 retained).
Molecular consequence: synonymous variant.
Genome position (GRCh38, 1-based): chr17:17,793,815, G>A. VCF-style: chr17-17793815-G-A. GRCh37 (hg19) VCF-style: chr17-17697129-G-A.
Other names: c.867G>A (NM_030665.3).
Identifiers: ClinVar variation 2909215 (VCV002909215.4), dbSNP rs745492053, ClinGen allele CA8418222.

ClinVar aggregate classification (germline): Likely benign. Review status: criteria provided, multiple submitters, no conflicts (2 of 4 stars). 2 submissions from 2 submitters: Likely benign (2). Last evaluated 2026-05-18.

Conditions:
RAI1-related disorder. Also called: RAI1-related condition.

Allele frequency attached by ClinVar (database versions not stated): ExAC 0.00001.

Submissions (2):

PreventionGenetics, part of Exact Sciences
Classification: Likely benign for RAI1-related condition. Last evaluated: 2026-05-18. Review status: criteria provided, single submitter. Criteria: ACMG Guidelines, 2015. Collection method: clinical testing. Allele origin: germline.
Comment: This variant is classified as likely benign based on ACMG/AMP sequence variant interpretation guidelines (Richards et al. 2015 PMID: 25741868, with internal and published modifications).

Labcorp Genetics (formerly Invitae), Labcorp
Classification: Likely benign. Last evaluated: 2023-05-18. Review status: criteria provided, single submitter. Criteria: Invitae Variant Classification Sherloc (09022015). Collection method: clinical testing. Allele origin: germline.